The following is an entry in ClinVar:

ClinVar aggregate classification (germline): Conflicting classifications of pathogenicity. Review status: criteria provided, conflicting classifications (1 of 4 stars). 3 submissions from 3 submitters: Uncertain significance (2); Likely benign (1). Last evaluated 2024-05-28.

Conditions:
Inborn genetic diseases. Identifiers: MedGen C0950123, MeSH D030342.

Allele frequency attached by ClinVar (database versions not stated): gnomAD 0.00004; TOPMed 0.00006; ExAC 0.00008; ESP Exome Variant Server 0.00023.

Submissions (3):

Ambry Genetics
Classification: Uncertain significance for Inborn genetic diseases. Last evaluated: 2024-05-28. Review status: criteria provided, single submitter. Criteria: Ambry Variant Classification Scheme 2023. Collection method: clinical testing. Allele origin: germline.

Labcorp Genetics (formerly Invitae), Labcorp
Classification: Uncertain significance. Last evaluated: 2021-06-24. Review status: criteria provided, single submitter. Criteria: Invitae Variant Classification Sherloc (09022015). Collection method: clinical testing. Allele origin: germline.
Comment: In summary, the available evidence is currently insufficient to determine the role of this variant in disease. Therefore, it has been classified as a Variant of Uncertain Significance. Algorithms developed to predict the effect of missense changes on protein structure and function output the following: SIFT: "Deleterious"; PolyPhen-2: "Benign"; Align-GVGD: "Class C0". The arginine amino acid residue is found in multiple mammalian species, suggesting that this missense change does not adversely affect protein function. These predictions have not been confirmed by published functional studies and their clinical significance is uncertain. This variant has not been reported in the literature in individuals with S1PR2-related conditions. ClinVar contains an entry for this variant (Variation ID: 929890). This variant is present in population databases (rs139097585, ExAC 0.01%). This sequence change replaces glycine with arginine at codon 319 of the S1PR2 protein (p.Gly319Arg). The glycine residue is highly conserved and there is a moderate physicochemical difference between glycine and arginine.

Laboratory for Molecular Medicine, Mass General Brigham Personalized Medicine
Classification: Likely benign. Last evaluated: 2020-02-11. Review status: criteria provided, single submitter. Criteria: LMM Criteria. Collection method: clinical testing. Allele origin: germline. Observed: 1 variant allele.
Comment: The p.Gly319Arg variant in S1PR2 is classified as likely benign due to a lack of conservation across species. 9 mammals (naked mole rat, guinea pig, chinchilla, brush-tailed rat, Tibetan antelope, cow, sheep, domestic goat and shrew) carry an arginine (ARG) at this position. In addition, computational prediction tools predict that this variant does not impact the protein. It has been identified in 0.014% (2/14686) of African chromosomes by gnomAD. ACMG/AMP Criteria applied: BP4_Strong.

NM_004230.4(S1PR2):c.955G>A (p.Gly319Arg)

Gene: S1PR2 (sphingosine-1-phosphate receptor 2; minus strand). Cytogenetic location: 19p13.2.
Variant type: single nucleotide variant.
Coding change: c.955G>A on transcript NM_004230.4 (MANE Select); coding-DNA position 955, G replaced by A.
Protein change: p.Gly319Arg; replaces glycine 319 with arginine.
Molecular consequence: missense variant.
Genome position (GRCh38, 1-based): chr19:10,223,951, C>T on the plus strand (G>A on the coding strand, the complement: S1PR2 is on the minus strand). VCF-style: chr19-10223951-C-T. GRCh37 (hg19) VCF-style: chr19-10334627-C-T.
Other names: c.955G>A (NM_004230.3); short protein forms G319R.
Identifiers: ClinVar variation 929890 (VCV000929890.10), dbSNP rs139097585, ClinGen allele CA9188969.